The following is an entry in ClinVar:

NC_000001.11:g.153799872T>C

Gene: GATAD2B (GATA zinc finger domain containing 2B; minus strand). Cytogenetic location: 1q21.3.
Variant type: single nucleotide variant.
Genome position: GRCh38 VCF-style: chr1-153799872-T-C. GRCh37 (hg19) VCF-style: chr1-153772348-T-C.
Identifiers: ClinVar variation 2498424 (VCV002498424.28), dbSNP rs879718449, ClinGen allele CA30746617.

ClinVar aggregate classification (germline): Likely benign (1 of 4 stars; one submission).

Allele frequency attached by ClinVar (database versions not stated): gnomAD 0.00057; TOPMed 0.00073; 1000 Genomes Project 30x 0.00156.

Submission:

CeGaT Center for Human Genetics Tuebingen
Classification: Likely benign. Last evaluated: 2023-05-01. Review status: criteria provided, single submitter. Criteria: CeGaT Center For Human Genetics Tuebingen Variant Classification Criteria Version 2. Collection method: clinical testing. Allele origin: germline. Affected: yes. Observed: 2 variant alleles.
Comment: GATAD2B: BS1